The following is an entry in ClinVar:

NM_001271.4(CHD2):c.1252A>T (p.Met418Leu)

Gene: CHD2 (chromodomain helicase DNA binding protein 2; plus strand). Cytogenetic location: 15q26.1.
Variant type: single nucleotide variant.
Coding change: c.1252A>T on transcript NM_001271.4 (MANE Select); coding-DNA position 1252, A replaced by T.
Protein change: p.Met418Leu; replaces methionine 418 with leucine.
Molecular consequence: missense variant.
Genome position (GRCh38, 1-based): chr15:92,946,091, A>T. VCF-style: chr15-92946091-A-T. GRCh37 (hg19) VCF-style: chr15-93489321-A-T.
Other names: c.1252A>T, p.Met418Leu (NM_001042572.3); short protein forms M418L.
Identifiers: ClinVar variation 4082923 (VCV004082923.1).

ClinVar aggregate classification (germline): Uncertain significance (1 of 4 stars; one submission).

Submission:

GeneDx
Classification: Uncertain significance. Last evaluated: 2025-03-07. Review status: criteria provided, single submitter. Criteria: GeneDx Variant Classification Process June 2021. Collection method: clinical testing. Allele origin: germline. Affected: yes.
Comment: Not observed at significant frequency in large population cohorts (gnomAD); In silico analysis indicates that this missense variant does not alter protein structure/function; Has not been previously published as pathogenic or benign to our knowledge